The following is an entry in ClinVar:

NM_000059.4(BRCA2):c.1826A>G (p.Gln609Arg)

Gene: BRCA2 (BRCA2 DNA repair associated; plus strand). Cytogenetic location: 13q13.1.
Variant type: single nucleotide variant.
Coding change: c.1826A>G on transcript NM_000059.4 (MANE Select); coding-DNA position 1826, A replaced by G.
Protein change: p.Gln609Arg; replaces glutamine 609 with arginine.
Molecular consequence: missense variant.
Genome position (GRCh38, 1-based): chr13:32,333,304, A>G. VCF-style: chr13-32333304-A-G. GRCh37 (hg19) VCF-style: chr13-32907441-A-G.
Other names: 2054A>G; short protein forms Q609R.
Identifiers: ClinVar variation 51210 (VCV000051210.39), dbSNP rs80358473, ClinGen allele CA013495.

ClinVar aggregate classification (germline): Conflicting classifications of pathogenicity. Review status: criteria provided, conflicting classifications (1 of 4 stars). 14 submissions from 14 submitters: Uncertain significance (9); Likely benign (1). 4 of the submissions do not count toward it. Last evaluated 2026-09-18.

Conditions:
BRCA2-related cancer predisposition. Identifiers: MedGen CN377758, MONDO:0700269.
Cancer or benign tumor. Also called: Cell proliferation disorder. Identifiers: MedGen CN377727, MONDO:0045024.
BRCA2-related disorder. Also called: BRCA2-related condition; BRCA2-related disorders. Identifiers: MedGen CN239275.
Hereditary cancer-predisposing syndrome. Also called: Hereditary Cancer Syndrome; Neoplastic Syndromes, Hereditary; Hereditary neoplastic syndrome; Tumor predisposition. Identifiers: Orphanet 140162, MedGen C0027672, MeSH D009386, MONDO:0015356.
Hereditary breast ovarian cancer syndrome. Also called: Hereditary breast and ovarian cancer syndrome; Breast and ovarian cancer; BRCA1- and BRCA2-Associated Hereditary Breast and Ovarian Cancer; Hereditary breast and/or ovarian cancer syndrome; Hereditary breast and ovarian cancer; Hereditary breast and ovarian cancer syndrome (HBOC). Identifiers: Orphanet 145, MedGen C0677776, MeSH D061325, MONDO:0003582. Disease mechanism: loss of function.
Breast-ovarian cancer, familial, susceptibility to, 2 (BROVCA2). Also called: BRCA2 Hereditary Breast and Ovarian Cancer. Identifiers: Orphanet 145, MedGen C2675520, MONDO:0012933, OMIM 612555. Disease mechanism: loss of function.

Allele frequency attached by ClinVar (database versions not stated): TOPMed below 0.00001; gnomAD 0.00001.
gnomAD v4.1: 3 of 1,606,192 alleles (0.00019%); highest among the groups gnomAD compares: East Asian, 0.0022%; no homozygotes.

Submissions 1 to 8 of 14:

PreventionGenetics, part of Exact Sciences
Classification: Uncertain significance for BRCA2-related condition. Last evaluated: 2026-09-18. Review status: criteria provided, single submitter. Criteria: ACMG Guidelines, 2015. Collection method: clinical testing. Allele origin: germline.
Comment: The BRCA2 c.1826A>G variant is predicted to result in the amino acid substitution p.Gln609Arg. This variant has been reported in an individual with breast cancer (Wong-Brown et al. 2015. PubMed ID: 25682074) and an individual affected with esophageal squamous cell carcinoma (Ko et al. 2019. PubMed ID: 31396961). This variant has not been reported in a large population database, indicating this variant is rare. This variant is interpreted as uncertain and likely benign in ClinVar (Variation ID: 51210). At this time, the clinical significance of this variant is uncertain due to the absence of conclusive functional and genetic evidence.

Labcorp Genetics (formerly Invitae), Labcorp
Classification: Uncertain significance for Hereditary breast ovarian cancer syndrome. Last evaluated: 2026-01-28. Review status: criteria provided, single submitter. Criteria: Invitae Variant Classification Sherloc (09022015). Collection method: clinical testing. Allele origin: germline.
Comment: This sequence change replaces glutamine, which is neutral and polar, with arginine, which is basic and polar, at codon 609 of the BRCA2 protein (p.Gln609Arg). This variant is not present in population databases (gnomAD no frequency). This missense change has been observed in individual(s) with esophageal squamous cell carcinoma (PMID: 31396961). ClinVar contains an entry for this variant (Variation ID: 51210). Invitae Evidence Modeling of protein sequence and biophysical properties (such as structural, functional, and spatial information, amino acid conservation, physicochemical variation, residue mobility, and thermodynamic stability) indicates that this missense variant is not expected to disrupt BRCA2 protein function with a negative predictive value of 95%. In summary, the available evidence is currently insufficient to determine the role of this variant in disease. Therefore, it has been classified as a Variant of Uncertain Significance.

Quest Diagnostics Nichols Institute San Juan Capistrano
Classification: Uncertain significance. Last evaluated: 2025-05-14. Review status: criteria provided, single submitter. Criteria: Quest Diagnostics criteria. Collection method: clinical testing. Allele origin: unknown.
Comment: The BRCA2 c.1826A>G (p.Gln609Arg) variant has been reported in the published literature in individuals with breast cancer (PMIDs: 34063308 (2021), 25682074 (2015)), esophageal cancer (PMID: 31396961 (2020)), as well as in a reportedly healthy individual (PMID: 32467295 (2020)). This variant has been described to be located in a region of the BRCA2 gene that is tolerant to missense sequence changes (PMID: 31911673 (2020)). The frequency of this variant in the general population (Genome Aggregation Database) is uninformative in the assessment of its pathogenicity. Analysis of this variant using bioinformatics tools for the prediction of the effect of amino acid changes on protein structure and function yielded predictions that this variant is benign. Based on the available information, we are unable to determine the clinical significance of this variant.

Ambry Genetics
Classification: Uncertain significance for Hereditary cancer-predisposing syndrome. Last evaluated: 2024-09-25. Review status: criteria provided, single submitter. Criteria: Ambry Variant Classification Scheme 2023. Collection method: clinical testing. Allele origin: germline.
Comment: The p.Q609R variant (also known as c.1826A>G), located in coding exon 9 of the BRCA2 gene, results from an A to G substitution at nucleotide position 1826. The glutamine at codon 609 is replaced by arginine, an amino acid with highly similar properties. This amino acid position is not well conserved in available vertebrate species. In addition, this alteration is predicted to be tolerated by in silico analysis. Based on the available evidence, the clinical significance of this variant remains unclear.

Women's Health and Genetics/Laboratory Corporation of America, LabCorp
Classification: Uncertain significance. Last evaluated: 2024-08-20. Review status: criteria provided, single submitter. Criteria: LabCorp Variant Classification Summary - May 2015. Collection method: clinical testing. Allele origin: germline.
Comment: Variant summary: BRCA2 c.1826A>G (p.Gln609Arg) results in a conservative amino acid change in the encoded protein sequence. Five of five in-silico tools predict a benign effect of the variant on protein function. The variant was absent in 240112 control chromosomes. The available data on variant occurrences in the general population are insufficient to allow any conclusion about variant significance. c.1826A>G has been reported in the literature in individuals affected with breast cancer and esophageal squamous cell carcinoma (e.g. Wong-Brown_2015, Ko_2020, Park_2021, Khandakji_2023). These reports do not provide unequivocal conclusions about association of the variant with Hereditary Breast And Ovarian Cancer Syndrome.To our knowledge, no experimental evidence demonstrating an impact on protein function has been reported. The following publications have been ascertained in the context of this evaluation (PMID: 32467295, 31396961, 34063308, 25682074, 37335020). ClinVar contains an entry for this variant (Variation ID: 51210). Based on the evidence outlined above, the variant was classified as uncertain significance.

All of Us Research Program, National Institutes of Health
Classification: Uncertain significance for BRCA2-related cancer predisposition. Last evaluated: 2024-07-20. Review status: criteria provided, single submitter. Criteria: ACMG Guidelines, 2015. Collection method: clinical testing. Allele origin: germline. Inheritance: Autosomal dominant inheritance. Observed: 2 variant alleles, 2 heterozygotes.
Comment: This missense variant replaces glutamine with arginine at codon 609 of the BRCA2 protein. Computational prediction suggests that this variant may not impact protein structure and function (internally defined REVEL score threshold <= 0.5, PMID: 27666373). To our knowledge, functional studies have not been reported for this variant. This variant has been reported in one individual each affected with breast cancer or squamous cell carcinoma (PMID: 25682074, 31396961). A multifactorial analysis has reported co-occurrence and family history likelihood ratios for pathogenicity of 1.0498 and 0.5802, respectively (PMID: 31131967). This variant has not been identified in the general population by the Genome Aggregation Database (gnomAD). The available evidence is insufficient to determine the role of this variant in disease conclusively. Therefore, this variant is classified as a Variant of Uncertain Significance.

This study involves interpretation of variants in research participants for the purpose of population health screening. Participant phenotype was not available at the time of variant classification. Additional details can be found in publication PMID: 35346344, PMCID: PMC8962531

Color Diagnostics, LLC DBA Color Health
Classification: Uncertain significance for Hereditary cancer-predisposing syndrome. Last evaluated: 2024-07-05. Review status: criteria provided, single submitter. Criteria: ACMG Guidelines, 2015. Collection method: clinical testing. Allele origin: germline.
Comment: This missense variant replaces glutamine with arginine at codon 609 of the BRCA2 protein. Computational prediction suggests that this variant may not impact protein structure and function. To our knowledge, functional studies have not been reported for this variant. This variant has been reported in two individuals affected with breast and/or ovarian cancer (PMID: 25682074, 34063308) and an individual affected with squamous cell carcinoma (PMID: 31396961). A multifactorial analysis has reported co-occurrence and family history likelihood ratios for pathogenicity of 1.0498 and 0.5802, respectively (PMID: 31131967). This variant has not been identified in the general population by the Genome Aggregation Database (gnomAD). The available evidence is insufficient to determine the role of this variant in disease conclusively. Therefore, this variant is classified as a Variant of Uncertain Significance.

GeneDx
Classification: Uncertain significance. Last evaluated: 2023-10-25. Review status: criteria provided, single submitter. Criteria: GeneDx Variant Classification Process June 2021. Collection method: clinical testing. Allele origin: germline. Affected: yes.
Comment: In silico analysis supports that this missense variant does not alter protein structure/function; Not observed at significant frequency in large population cohorts (gnomAD); Also known as 2054A>G; This variant is associated with the following publications: (PMID: 31131967, 32377563, 29884841, 32467295, 31396961, 34063308, 25682074, 37335020, 31911633)